The following is an entry in ClinVar:

ClinVar aggregate classification (germline): Uncertain significance. Review status: criteria provided, multiple submitters, no conflicts (2 of 4 stars). 5 submissions from 5 submitters: Uncertain significance (4). 1 of the submissions does not count toward it. Last evaluated 2024-12-08.

Conditions:
Inborn genetic diseases. Identifiers: MedGen C0950123, MeSH D030342.
Fanconi anemia (FA). Also called: Fanconi's anemia. Identifiers: Orphanet 84, MedGen C0015625, MeSH D005199, MONDO:0019391.
Fanconi anemia complementation group A (FANCA). Also called: FANCA-Related Fanconi Anemia; Fanconi anemia, group A. Identifiers: Orphanet 84, MedGen C3469521, MONDO:0009215, OMIM 227650.

Allele frequency attached by ClinVar (database versions not stated): ExAC 0.00001; gnomAD 0.00001; gnomAD exomes 0.00002; TOPMed 0.00002.
gnomAD v4.1: 34 of 1,614,098 alleles (0.0021%); highest among the groups gnomAD compares: Non-Finnish European, 0.0016%; no homozygotes.

Submissions (5):

Ambry Genetics
Classification: Uncertain significance for Inborn genetic diseases. Last evaluated: 2024-12-08. Review status: criteria provided, single submitter. Criteria: Ambry Variant Classification Scheme 2023. Collection method: clinical testing. Allele origin: germline.
Comment: The p.H1046Y variant (also known as c.3136C>T), located in coding exon 32 of the FANCA gene, results from a C to T substitution at nucleotide position 3136. The histidine at codon 1046 is replaced by tyrosine, an amino acid with similar properties. This amino acid position is conserved. In addition, the in silico prediction for this alteration is inconclusive. Based on the available evidence, the clinical significance of this variant remains unclear.

Fulgent Genetics
Classification: Uncertain significance for Fanconi anemia complementation group A. Last evaluated: 2024-05-30. Review status: criteria provided, single submitter. Criteria: ACMG Guidelines, 2015. Collection method: clinical testing. Allele origin: germline.

Blueprint Genetics
Classification: Uncertain significance. Last evaluated: 2024-03-19. Review status: criteria provided, single submitter. Criteria: ACMG Guidelines, 2015. Collection method: clinical testing. Allele origin: germline.

Labcorp Genetics (formerly Invitae), Labcorp
Classification: Uncertain significance for Fanconi anemia. Last evaluated: 2022-08-23. Review status: criteria provided, single submitter. Criteria: Invitae Variant Classification Sherloc (09022015). Collection method: clinical testing. Allele origin: germline.
Comment: This sequence change replaces histidine, which is basic and polar, with tyrosine, which is neutral and polar, at codon 1046 of the FANCA protein (p.His1046Tyr). This variant is present in population databases (rs747913731, gnomAD 0.02%). This variant has not been reported in the literature in individuals affected with FANCA-related conditions. ClinVar contains an entry for this variant (Variation ID: 1020909). Advanced modeling of protein sequence and biophysical properties (such as structural, functional, and spatial information, amino acid conservation, physicochemical variation, residue mobility, and thermodynamic stability) performed at Invitae indicates that this missense variant is expected to disrupt FANCA protein function. In summary, the available evidence is currently insufficient to determine the role of this variant in disease. Therefore, it has been classified as a Variant of Uncertain Significance.

Natera, Inc.
Classification: Uncertain significance for Fanconi anemia. Last evaluated: 2020-01-17. Review status: no assertion criteria provided. Collection method: clinical testing. Allele origin: germline. Not counted in ClinVar's aggregate classification.

NM_000135.4(FANCA):c.3136C>T (p.His1046Tyr)

Gene: FANCA (FA complementation group A; minus strand). Cytogenetic location: 16q24.3.
Variant type: single nucleotide variant.
Coding change: c.3136C>T on transcript NM_000135.4 (MANE Select); coding-DNA position 3136, C replaced by T.
Protein change: p.His1046Tyr; replaces histidine 1046 with tyrosine.
Molecular consequence: missense variant.
Genome position (GRCh38, 1-based): chr16:89,749,833, G>A on the plus strand (C>T on the coding strand, the complement: FANCA is on the minus strand). VCF-style: chr16-89749833-G-A. GRCh37 (hg19) VCF-style: chr16-89816241-G-A.
Other names: c.3136C>T (NM_000135.2); c.3136C>T, p.His1046Tyr (NM_001286167.3); short protein forms H1046Y.
Identifiers: ClinVar variation 1020909 (VCV001020909.9), dbSNP rs747913731, ClinGen allele CA8251323.